The following is an entry in ClinVar:

ClinVar aggregate classification (germline): Uncertain significance (1 of 4 stars; one submission).

Conditions:
Autosomal dominant nonsyndromic hearing loss 1. Also called: KONIGSMARK SYNDROME; DEAFNESS, AUTOSOMAL DOMINANT 1, WITH OR WITHOUT THROMBOCYTOPENIA. Identifiers: Orphanet 90635, MedGen C1852282, MONDO:0007424, OMIM 124900.
Progressive microcephaly-seizures-cortical blindness-developmental delay syndrome. Also called: Seizures, cortical blindness, and microcephaly syndrome. Identifiers: Orphanet 477814, MedGen C5567650, MONDO:0014714, OMIM 616632.

Allele frequency attached by ClinVar (database versions not stated): gnomAD 0.00001; TOPMed 0.00001; ESP Exome Variant Server 0.00008.
gnomAD v4.1: 13 of 1,613,776 alleles (0.00081%); highest among the groups gnomAD compares: Middle Eastern, 0.082%; no homozygotes.

Submission:

Labcorp Genetics (formerly Invitae), Labcorp
Classification: Uncertain significance for Progressive microcephaly-seizures-cortical blindness-developmental delay syndrome; Autosomal dominant nonsyndromic hearing loss 1. Last evaluated: 2025-09-08. Review status: criteria provided, single submitter. Criteria: Invitae Variant Classification Sherloc (09022015). Collection method: clinical testing. Allele origin: germline.
Comment: This sequence change replaces histidine, which is basic and polar, with glutamine, which is neutral and polar, at codon 416 of the DIAPH1 protein (p.His416Gln). This variant is present in population databases (rs375904152, gnomAD 0.0009%). This variant has not been reported in the literature in individuals affected with DIAPH1-related conditions. ClinVar contains an entry for this variant (Variation ID: 1054042). Experimental studies and prediction algorithms are not available or were not evaluated, and the functional significance of this variant is currently unknown. In summary, the available evidence is currently insufficient to determine the role of this variant in disease. Therefore, it has been classified as a Variant of Uncertain Significance.

NM_005219.5(DIAPH1):c.1248C>G (p.His416Gln)

Gene: DIAPH1 (diaphanous related formin 1; minus strand). Cytogenetic location: 5q31.3.
Variant type: single nucleotide variant.
Coding change: c.1248C>G on transcript NM_005219.5 (MANE Select); coding-DNA position 1248, C replaced by G.
Protein change: p.His416Gln; replaces histidine 416 with glutamine.
Molecular consequence: missense variant.
Genome position (GRCh38, 1-based): chr5:141,577,507, G>C on the plus strand (C>G on the coding strand, the complement: DIAPH1 is on the minus strand). VCF-style: chr5-141577507-G-C. GRCh37 (hg19) VCF-style: chr5-140957074-G-C.
Other names: c.1221C>G, p.His407Gln (NM_001079812.3); c.1248C>G, p.His416Gln (NM_001314007.2); short protein forms H407Q, H416Q.
Identifiers: ClinVar variation 1054042 (VCV001054042.12), dbSNP rs375904152, ClinGen allele CA3479349.